The following is an entry in ClinVar:

ClinVar aggregate classification (germline): Uncertain significance. Review status: criteria provided, multiple submitters, no conflicts (2 of 4 stars). 2 submissions from 2 submitters: Uncertain significance (2). Last evaluated 2025-09-26.

Conditions:
Inborn genetic diseases. Identifiers: MedGen C0950123, MeSH D030342.

Allele frequency attached by ClinVar (database versions not stated): ExAC 0.00002; gnomAD exomes 0.00002 and 0.00005; gnomAD 0.00003; TOPMed 0.00005.

Submissions (2):

Ambry Genetics
Classification: Uncertain significance for Inborn genetic diseases. Last evaluated: 2025-09-26. Review status: criteria provided, single submitter. Criteria: Ambry Variant Classification Scheme 2023. Collection method: clinical testing. Allele origin: germline.

Labcorp Genetics (formerly Invitae), Labcorp
Classification: Uncertain significance. Last evaluated: 2022-08-08. Review status: criteria provided, single submitter. Criteria: Invitae Variant Classification Sherloc (09022015). Collection method: clinical testing. Allele origin: germline.
Comment: This sequence change replaces threonine, which is neutral and polar, with alanine, which is neutral and non-polar, at codon 1057 of the ADAMTSL4 protein (p.Thr1057Ala). This variant is present in population databases (rs776741147, gnomAD 0.004%). This variant has not been reported in the literature in individuals affected with ADAMTSL4-related conditions. ClinVar contains an entry for this variant (Variation ID: 1417085). Algorithms developed to predict the effect of missense changes on protein structure and function (SIFT, PolyPhen-2, Align-GVGD) all suggest that this variant is likely to be disruptive. In summary, the available evidence is currently insufficient to determine the role of this variant in disease. Therefore, it has been classified as a Variant of Uncertain Significance.

NM_019032.6(ADAMTSL4):c.3169A>G (p.Thr1057Ala)

Gene: ADAMTSL4 (ADAMTS like 4; plus strand). Cytogenetic location: 1q21.2.
Variant type: single nucleotide variant.
Coding change: c.3169A>G on transcript NM_019032.6 (MANE Select); coding-DNA position 3169, A replaced by G.
Protein change: p.Thr1057Ala; replaces threonine 1057 with alanine.
Molecular consequence: missense variant.
Genome position (GRCh38, 1-based): chr1:150,560,140, A>G. VCF-style: chr1-150560140-A-G. GRCh37 (hg19) VCF-style: chr1-150532616-A-G.
Other names: c.3169A>G (NM_019032.4); c.3169A>G, p.Thr1057Ala (NM_001378596.1); c.3052A>G, p.Thr1018Ala (NM_001288607.2); c.3238A>G, p.Thr1080Ala (NM_001288608.2); short protein forms T1018A, T1057A, T1080A.
Identifiers: ClinVar variation 1417085 (VCV001417085.6), dbSNP rs776741147, ClinGen allele CA1078972.